The following is an entry in ClinVar:

ClinVar aggregate classification (germline): Pathogenic/Likely pathogenic. Review status: criteria provided, multiple submitters, no conflicts (2 of 4 stars). 5 submissions from 5 submitters: Pathogenic (1); Likely pathogenic (3). 1 of the submissions does not count toward it. Last evaluated 2025-12-22.

Conditions:
PKHD1-related disorder. Also called: PKHD1-related condition.
Polycystic kidney disease 4 (PKD4). Also called: POLYCYSTIC KIDNEY DISEASE 4 WITH OR WITHOUT POLYCYSTIC LIVER DISEASE; Autosomal Recessive Polycystic Kidney Disease – PKHD1; PKD3; POLYCYSTIC KIDNEY AND HEPATIC DISEASE 1; POLYCYSTIC KIDNEY DISEASE, INFANTILE, TYPE I. Identifiers: MedGen C4540575, MONDO:0033004, OMIM 263200.
Autosomal recessive polycystic kidney disease (ARPKD). Also called: AR polycystic kidney disease. Identifiers: Orphanet 731, Orphanet 8378, MedGen C0085548, MeSH D017044, MONDO:0009889.

Submissions (5):

Natera, Inc.
Classification: Likely pathogenic for Autosomal recessive polycystic kidney disease. Last evaluated: 2025-12-22. Review status: criteria provided, single submitter. Criteria: Natera Variant Classification Schema (03/2026). Collection method: clinical testing. Allele origin: germline.
Comment: The c.6866-2_6866-1delAGinsGA variant in PKHD1 is a canonical splice acceptor site variant predicted to affect pre-mRNA splicing, which may result in an abnormal transcript and altered protein product. This variant is expected to result in nonsense mediated decay, truncation, or a dysfunctional protein product. This variant is rare in the general population with a frequency below the threshold expected for the associated phenotype(s). Given the available evidence, this variant is classified as Likely Pathogenic.

Fulgent Genetics
Classification: Likely pathogenic for Polycystic kidney disease 4. Last evaluated: 2024-04-15. Review status: criteria provided, single submitter. Criteria: ACMG Guidelines, 2015. Collection method: clinical testing. Allele origin: germline.

Labcorp Genetics (formerly Invitae), Labcorp
Classification: Likely pathogenic for Autosomal recessive polycystic kidney disease. Last evaluated: 2023-02-14. Review status: criteria provided, single submitter. Criteria: Invitae Variant Classification Sherloc (09022015). Collection method: clinical testing. Allele origin: germline.
Comment: In summary, the currently available evidence indicates that the variant is pathogenic, but additional data are needed to prove that conclusively. Therefore, this variant has been classified as Likely Pathogenic. ClinVar contains an entry for this variant (Variation ID: 597249). This variant has not been reported in the literature in individuals affected with PKHD1-related conditions. Information on the frequency of this variant in the gnomAD database is not available, as this variant may be reported differently in the database. This sequence change affects a splice site in intron 42 of the PKHD1 gene. It is expected to disrupt RNA splicing. Variants that disrupt the donor or acceptor splice site typically lead to a loss of protein function (PMID: 16199547), and loss-of-function variants in PKHD1 are known to be pathogenic (PMID: 19940839).

Eurofins Ntd Llc (ga)
Classification: Pathogenic. Last evaluated: 2018-05-15. Review status: criteria provided, single submitter. Criteria: EGL ClinVar v180209 classification definitions. Collection method: clinical testing. Allele origin: germline. Observed: 1 variant allele, 1 heterozygote.

PreventionGenetics, part of Exact Sciences
Classification: Likely pathogenic for PKHD1-related condition. Last evaluated: 2024-04-12. Review status: no assertion criteria provided. Collection method: clinical testing. Allele origin: germline. Not counted in ClinVar's aggregate classification.
Comment: The PKHD1 c.6866-2_6866-1delinsGA variant is predicted to result in an in-frame deletion and insertion. To our knowledge, this variant has not been reported in the literature or in a large population database, indicating this variant is rare. Variants that disrupt the consensus splice acceptor site in PKHD1 are expected to be pathogenic. This variant is interpreted as likely pathogenic.

Literature cited by the submitters: PubMed 16199547 (cited by Labcorp Genetics (formerly Invitae), Labcorp); PubMed 19940839 (cited by Labcorp Genetics (formerly Invitae), Labcorp).

NM_138694.4(PKHD1):c.6866-2_6866-1delinsGA

Gene: PKHD1 (PKHD1 ciliary IPT domain containing fibrocystin/polyductin; minus strand). Cytogenetic location: 6p12.2.
Variant type: Indel.
Coding change: c.6866-2_6866-1delinsGA on transcript NM_138694.4 (MANE Select); the canonical splice acceptor site of the intron before coding-DNA position 6866, AG replaced by GA.
Molecular consequence: splice acceptor variant.
Genome position (GRCh38, 1-based): chr6:51,903,728-51,903,729, CT replaced by TC on the plus strand (AG replaced by GA on the coding strand, the reverse complement: PKHD1 is on the minus strand). VCF-style: chr6-51903728-CT-TC. GRCh37 (hg19) VCF-style: chr6-51768526-CT-TC.
Other names: c.6866-2_6866-1delinsGA (NM_170724.3, NM_138694.3).
Identifiers: ClinVar variation 597249 (VCV000597249.20), dbSNP rs1562581286, ClinGen allele CA913189982.